The following is an entry in ClinVar:

ClinVar aggregate classification (germline): Uncertain significance (1 of 4 stars; one submission).

Allele frequency attached by ClinVar (database versions not stated): gnomAD 0.00005; ExAC 0.00006; TOPMed 0.00006.

Submission:

Labcorp Genetics (formerly Invitae), Labcorp
Classification: Uncertain significance. Last evaluated: 2025-12-24. Review status: criteria provided, single submitter. Criteria: Invitae Variant Classification Sherloc (09022015). Collection method: clinical testing. Allele origin: germline.
Comment: This sequence change replaces alanine, which is neutral and non-polar, with serine, which is neutral and polar, at codon 45 of the SLC39A8 protein (p.Ala45Ser). The frequency data for this variant in the population databases is considered unreliable, as metrics indicate poor data quality at this position in the gnomAD database. This variant has not been reported in the literature in individuals affected with SLC39A8-related conditions. ClinVar contains an entry for this variant (Variation ID: 1912766). An algorithm developed to predict the effect of missense changes on protein structure and function (PolyPhen-2) suggests that this variant is likely to be tolerated. In summary, the available evidence is currently insufficient to determine the role of this variant in disease. Therefore, it has been classified as a Variant of Uncertain Significance.

NM_001135146.2(SLC39A8):c.133G>T (p.Ala45Ser)

Gene: SLC39A8 (solute carrier family 39 member 8; minus strand). Cytogenetic location: 4q24.
Variant type: single nucleotide variant.
Coding change: c.133G>T on transcript NM_001135146.2 (MANE Select); coding-DNA position 133, G replaced by T.
Protein change: p.Ala45Ser; replaces alanine 45 with serine.
Molecular consequence: missense variant.
Genome position (GRCh38, 1-based): chr4:102,344,530, C>A on the plus strand (G>T on the coding strand, the complement: SLC39A8 is on the minus strand). VCF-style: chr4-102344530-C-A. GRCh37 (hg19) VCF-style: chr4-103265687-C-A.
Other names: c.133G>T, p.Ala45Ser (NM_001135147.1, NM_022154.5); short protein forms A45S.
Identifiers: ClinVar variation 1912766 (VCV001912766.5), dbSNP rs748717522, ClinGen allele CA3025734.
Genomic context (GRCh38, chr4:102,344,530, plus strand): 5'-CCGGGACGCCCACGCGGGAGGCGGCTCCCATCTGCTCCAGCAAGTGCTGGAGCTGCGCCG[C>A]CGACAGGCTCAGATTCGCGCCGAACACGCTCAGCACATCCTCGCTGAAGGCTAGCCCTGG-3'
Protein context (NP_001128618.1, residues 35-55): SVFGANLSLS[Ala45Ser]AQLQHLLEQM